The following is an entry in ClinVar:

ClinVar aggregate classification (germline): Benign/Likely benign. Review status: criteria provided, multiple submitters, no conflicts (2 of 4 stars). 2 submissions from 2 submitters: Benign (1); Likely benign (1). Last evaluated 2024-07-03.

Conditions:
Hereditary cancer-predisposing syndrome. Also called: Hereditary Cancer Syndrome; Hereditary neoplastic syndrome; Neoplastic Syndromes, Hereditary; Tumor predisposition. Identifiers: Orphanet 140162, MedGen C0027672, MeSH D009386, MONDO:0015356.
Oligodontia-cancer predisposition syndrome. Also called: TOOTH AGENESIS-COLORECTAL CANCER SYNDROME. Identifiers: Orphanet 300576, MedGen C1837750, MONDO:0012075, OMIM 608615. Disease mechanism: loss of function.

Submissions (2):

Myriad Genetics, Inc.
Classification: Benign for Oligodontia-cancer predisposition syndrome. Last evaluated: 2024-07-03. Review status: criteria provided, single submitter. Criteria: Myriad Autosomal Dominant, Autosomal Recessive and X-Linked Classification Criteria (2023). Collection method: clinical testing. Allele origin: unknown.
Comment: This variant is considered benign. This variant is a silent/synonymous amino acid change and it is not expected to impact splicing.

Ambry Genetics
Classification: Likely benign for Hereditary cancer-predisposing syndrome. Last evaluated: 2019-09-19. Review status: criteria provided, single submitter. Criteria: Ambry Variant Classification Scheme 2023. Collection method: clinical testing. Allele origin: germline.

NM_004655.4(AXIN2):c.1521C>A (p.Thr507=)

Gene: AXIN2 (axin 2; minus strand). Cytogenetic location: 17q24.1.
Variant type: single nucleotide variant.
Coding change: c.1521C>A on transcript NM_004655.4 (MANE Select); coding-DNA position 1521, C replaced by A.
Protein change: p.Thr507=; no amino-acid change (threonine 507 retained).
Molecular consequence: synonymous variant.
Genome position (GRCh38, 1-based): chr17:65,537,515, G>T on the plus strand (C>A on the coding strand, the complement: AXIN2 is on the minus strand). VCF-style: chr17-65537515-G-T. GRCh37 (hg19) VCF-style: chr17-63533633-G-T.
Other names: c.1521C>A, p.Thr507= (NM_001363813.1).
Identifiers: ClinVar variation 1774429 (VCV001774429.3), dbSNP rs1317740172, ClinGen allele CA501691498.